The following is an entry in ClinVar:

NM_002875.5(RAD51):c.553G>A (p.Val185Ile)

Gene: RAD51 (RAD51 recombinase; plus strand). Cytogenetic location: 15q15.1.
Variant type: single nucleotide variant.
Coding change: c.553G>A on transcript NM_002875.5 (MANE Select); coding-DNA position 553, G replaced by A.
Protein change: p.Val185Ile; replaces valine 185 with isoleucine.
Molecular consequence: missense variant.
Genome position (GRCh38, 1-based): chr15:40,728,733, G>A. VCF-style: chr15-40728733-G-A. GRCh37 (hg19) VCF-style: chr15-41020931-G-A.
Other names: c.556G>A, p.Val186Ile (NM_001164269.2, NM_133487.4); c.553G>A, p.Val185Ile (NM_001164270.2); short protein forms V185I, V186I.
Identifiers: ClinVar variation 2565484 (VCV002565484.2), dbSNP rs2504523660, ClinGen allele CA391757129.
Genomic context (GRCh38, chr15:40,728,733, plus strand): 5'-CTGTGTGCAGCCTAAAAATGTTCTCTCCTCTCTCATAGGTATGGTCTCTCTGGCAGTGAT[G>A]TCCTGGATAATGTAGCATATGCTCGAGCGTTCAACACAGACCACCAGACCCAGCTCCTTT-3'
Protein context (NP_002866.2, residues 175-195): AERYGLSGSD[Val185Ile]LDNVAYARAF

ClinVar aggregate classification (germline): Uncertain significance (1 of 4 stars; one submission).

Conditions:
Inborn genetic diseases. Identifiers: MedGen C0950123, MeSH D030342.

Submission:

Ambry Genetics
Classification: Uncertain significance for Inborn genetic diseases. Last evaluated: 2023-04-16. Review status: criteria provided, single submitter. Criteria: Ambry Variant Classification Scheme 2023. Collection method: clinical testing. Allele origin: germline.
Comment: The p.V185I variant (also known as c.553G>A), located in coding exon 6 of the RAD51 gene, results from a G to A substitution at nucleotide position 553. The valine at codon 185 is replaced by isoleucine, an amino acid with highly similar properties. This amino acid position is conserved. In addition, the in silico prediction for this alteration is inconclusive. Since supporting evidence is limited at this time, the clinical significance of this alteration remains unclear.